The following is an entry in ClinVar:

NM_017617.5(NOTCH1):c.140+2T>A

Gene: NOTCH1 (notch receptor 1; minus strand). Cytogenetic location: 9q34.3.
Variant type: single nucleotide variant.
Coding change: c.140+2T>A on transcript NM_017617.5 (MANE Select); the canonical splice donor site of the intron after coding-DNA position 140, T replaced by A.
Molecular consequence: splice donor variant.
Genome position (GRCh38, 1-based): chr9:136,544,022, A>T on the plus strand (T>A on the coding strand, the complement: NOTCH1 is on the minus strand). VCF-style: chr9-136544022-A-T. GRCh37 (hg19) VCF-style: chr9-139438474-A-T.
Identifiers: ClinVar variation 2499114 (VCV002499114.28), dbSNP rs2540492451, ClinGen allele CA375578644.

ClinVar aggregate classification (germline): Likely pathogenic (1 of 4 stars; one submission).

Submission:

CeGaT Center for Human Genetics Tuebingen
Classification: Likely pathogenic. Last evaluated: 2023-03-01. Review status: criteria provided, single submitter. Criteria: CeGaT Center For Human Genetics Tuebingen Variant Classification Criteria Version 2. Collection method: clinical testing. Allele origin: germline. Affected: yes. Observed: 2 variant alleles.
Comment: NOTCH1: PVS1:Strong, PM2